The following is an entry in ClinVar:

NM_000179.3(MSH6):c.1655A>G (p.His552Arg)

Gene: MSH6 (mutS homolog 6; plus strand). Cytogenetic location: 2p16.3.
Variant type: single nucleotide variant.
Coding change: c.1655A>G on transcript NM_000179.3 (MANE Select); coding-DNA position 1655, A replaced by G.
Protein change: p.His552Arg; replaces histidine 552 with arginine.
Molecular consequence: missense variant.
Genome position (GRCh38, 1-based): chr2:47,799,638, A>G. VCF-style: chr2-47799638-A-G. GRCh37 (hg19) VCF-style: chr2-48026777-A-G.
Other names: c.749A>G, p.His250Arg (NM_001281493.2, NM_001281494.2); c.1265A>G, p.His422Arg (NM_001281492.2); short protein forms H552R, H250R, H422R.
Identifiers: ClinVar variation 418774 (VCV000418774.16), dbSNP rs1064793423, ClinGen allele CA16617657.

ClinVar aggregate classification (germline): Uncertain significance. Review status: criteria provided, multiple submitters, no conflicts (2 of 4 stars). 6 submissions from 6 submitters: Uncertain significance (6). Last evaluated 2025-09-23.

Conditions:
Hereditary nonpolyposis colorectal neoplasms. Identifiers: MedGen C0009405, MeSH D003123.
Hereditary cancer-predisposing syndrome. Also called: Hereditary neoplastic syndrome; Tumor predisposition; Neoplastic Syndromes, Hereditary; Hereditary Cancer Syndrome. Identifiers: Orphanet 140162, MedGen C0027672, MeSH D009386, MONDO:0015356.
Endometrial carcinoma. Also called: Endometrial carcinoma, somatic. Identifiers: MedGen C0476089, MONDO:0002447, OMIM 608089, HP:0012114.

Allele frequency attached by ClinVar (database versions not stated): gnomAD 0.00001.
gnomAD v4.1: 1 of 1,614,052 alleles (0.000062%); highest among the groups gnomAD compares: Admixed American, 0.0017%; no homozygotes.

Submissions (6):

Labcorp Genetics (formerly Invitae), Labcorp
Classification: Uncertain significance for Hereditary nonpolyposis colorectal neoplasms. Last evaluated: 2025-09-23. Review status: criteria provided, single submitter. Criteria: Invitae Variant Classification Sherloc (09022015). Collection method: clinical testing. Allele origin: germline.
Comment: This sequence change replaces histidine, which is basic and polar, with arginine, which is basic and polar, at codon 552 of the MSH6 protein (p.His552Arg). This variant is not present in population databases (gnomAD no frequency). This variant has not been reported in the literature in individuals affected with MSH6-related conditions. ClinVar contains an entry for this variant (Variation ID: 418774). Invitae Evidence Modeling of protein sequence and biophysical properties (such as structural, functional, and spatial information, amino acid conservation, physicochemical variation, residue mobility, and thermodynamic stability) indicates that this missense variant is not expected to disrupt MSH6 protein function with a negative predictive value of 95%. In summary, the available evidence is currently insufficient to determine the role of this variant in disease. Therefore, it has been classified as a Variant of Uncertain Significance.

Ambry Genetics
Classification: Uncertain significance for Hereditary cancer-predisposing syndrome. Last evaluated: 2024-02-09. Review status: criteria provided, single submitter. Criteria: Ambry Variant Classification Scheme 2023. Collection method: clinical testing. Allele origin: germline.
Comment: The p.H552R variant (also known as c.1655A>G), located in coding exon 4 of the MSH6 gene, results from an A to G substitution at nucleotide position 1655. The histidine at codon 552 is replaced by arginine, an amino acid with highly similar properties. This amino acid position is not well conserved in available vertebrate species. In addition, this alteration is predicted to be tolerated by in silico analysis. Based on the available evidence, the clinical significance of this alteration remains unclear.

Baylor Genetics
Classification: Uncertain significance for Endometrial carcinoma. Last evaluated: 2023-10-18. Review status: criteria provided, single submitter. Criteria: ACMG Guidelines, 2015. Collection method: clinical testing. Allele origin: unknown.

Women's Health and Genetics/Laboratory Corporation of America, LabCorp
Classification: Uncertain significance. Last evaluated: 2023-05-13. Review status: criteria provided, single submitter. Criteria: LabCorp Variant Classification Summary - May 2015. Collection method: clinical testing. Allele origin: germline.

Color Diagnostics, LLC DBA Color Health
Classification: Uncertain significance for Hereditary cancer-predisposing syndrome. Last evaluated: 2021-11-17. Review status: criteria provided, single submitter. Criteria: ACMG Guidelines, 2015. Collection method: clinical testing. Allele origin: germline.
Comment: This missense variant replaces histidine with arginine at codon 552 of the MSH6 protein. Computational prediction suggests that this variant may not impact protein structure and function (internally defined REVEL score threshold <= 0.5, PMID: 27666373). To our knowledge, functional studies have not been reported for this variant. This variant has not been reported in individuals affected with hereditary cancer in the literature. This variant has not been identified in the general population by the Genome Aggregation Database (gnomAD). The available evidence is insufficient to determine the role of this variant in disease conclusively. Therefore, this variant is classified as a Variant of Uncertain Significance.

GeneDx
Classification: Uncertain significance. Last evaluated: 2015-03-31. Review status: criteria provided, single submitter. Criteria: GeneDx Variant Classification (06012015). Collection method: clinical testing. Allele origin: germline. Affected: yes.
Comment: This variant is denoted MSH6 c.1655A>G at the cDNA level, p.His552Arg (H552R) at the protein level, and results in the change of a Histidine to an Arginine (CAT>CGT). This variant has not, to our knowledge, been published in the literature as pathogenic or benign. MSH6 His552Arg was not observed in approximately 6,500 individuals of European and African American ancestry in the NHLBI Exome Sequencing Project, indicating it is not a common benign variant in these populations. Since Histidine and Arginine share similar properties, this is considered a conservative amino acid substitution. MSH6 His552Arg occurs at a position that is highly conserved through mammals and is located in the MutS domain (Terui 2013). In silico analyses predict that this variant is unlikely to alter protein structure or function. Based on currently available information, it is unclear whether MSH6 His552Arg is pathogenic or benign. We consider it to be a variant of uncertain significance.